The following is an entry in ClinVar:

NM_033026.6(PCLO):c.15259A>G (p.Ser5087Gly)

Gene: PCLO (piccolo presynaptic cytomatrix protein; minus strand). Cytogenetic location: 7q21.11.
Variant type: single nucleotide variant.
Coding change: c.15259A>G on transcript NM_033026.6 (MANE Select); coding-DNA position 15259, A replaced by G.
Protein change: p.Ser5087Gly; replaces serine 5087 with glycine.
Molecular consequence: missense variant.
Genome position (GRCh38, 1-based): chr7:82,760,668, T>C on the plus strand (A>G on the coding strand, the complement: PCLO is on the minus strand). VCF-style: chr7-82760668-T-C. GRCh37 (hg19) VCF-style: chr7-82389984-T-C.
Other names: c.15259A>G (NM_033026.5); short protein forms S5087G.
Identifiers: ClinVar variation 1362563 (VCV001362563.4), dbSNP rs763681922, ClinGen allele CA4318580.

ClinVar aggregate classification (germline): Uncertain significance. Review status: criteria provided, multiple submitters, no conflicts (2 of 4 stars). 2 submissions from 2 submitters: Uncertain significance (2). Last evaluated 2025-04-04.

Conditions:
Inborn genetic diseases. Identifiers: MedGen C0950123, MeSH D030342.

Allele frequency attached by ClinVar (database versions not stated): ExAC 0.00003; TOPMed 0.00015; gnomAD exomes 0.00004 and 0.00006; gnomAD 0.00016.
gnomAD v4.1: 47 of 1,605,952 alleles (0.0029%); highest among the groups gnomAD compares: Admixed American, 0.077%; no homozygotes.

Submissions (2):

Ambry Genetics
Classification: Uncertain significance for Inborn genetic diseases. Last evaluated: 2025-04-04. Review status: criteria provided, single submitter. Criteria: Ambry Variant Classification Scheme 2023. Collection method: clinical testing. Allele origin: germline.

Labcorp Genetics (formerly Invitae), Labcorp
Classification: Uncertain significance. Last evaluated: 2022-09-07. Review status: criteria provided, single submitter. Criteria: Invitae Variant Classification Sherloc (09022015). Collection method: clinical testing. Allele origin: germline.
Comment: This sequence change replaces serine, which is neutral and polar, with glycine, which is neutral and non-polar, at codon 5087 of the PCLO protein (p.Ser5087Gly). This variant is present in population databases (rs763681922, gnomAD 0.04%). This variant has not been reported in the literature in individuals affected with PCLO-related conditions. ClinVar contains an entry for this variant (Variation ID: 1362563). Algorithms developed to predict the effect of missense changes on protein structure and function are either unavailable or do not agree on the potential impact of this missense change (SIFT: "Tolerated"; PolyPhen-2: "Not Available"; Align-GVGD: "Class C0"). In summary, the available evidence is currently insufficient to determine the role of this variant in disease. Therefore, it has been classified as a Variant of Uncertain Significance.